The following is an entry in ClinVar:

ClinVar aggregate classification (germline): Benign (0 of 4 stars; one submission).

Conditions:
PRRC2A-related disorder. Also called: PRRC2A-related condition.

Allele frequency attached by ClinVar (database versions not stated): gnomAD exomes 0.00257; ExAC 0.00411; gnomAD 0.00774; TOPMed 0.00859; ESP Exome Variant Server 0.00960; 1000 Genomes Project 0.01358; 1000 Genomes Project 30x 0.01359.
gnomAD v4.1: 4,920 of 1,608,542 alleles (0.31%); highest among the groups gnomAD compares: East Asian, 4%; 93 homozygotes.

Submission:

PreventionGenetics, part of Exact Sciences
Classification: Benign for PRRC2A-related condition. Last evaluated: 2019-02-19. Review status: no assertion criteria provided. Collection method: clinical testing. Allele origin: germline.
Comment: This variant is classified as benign based on ACMG/AMP sequence variant interpretation guidelines (Richards et al. 2015 PMID: 25741868, with internal and published modifications).

NM_004638.4(PRRC2A):c.6171G>A (p.Pro2057=)

Gene: PRRC2A (proline rich coiled-coil 2A; plus strand). Cytogenetic location: 6p21.33.
Variant type: single nucleotide variant.
Coding change: c.6171G>A on transcript NM_004638.4 (MANE Select); coding-DNA position 6171, G replaced by A.
Protein change: p.Pro2057=; no amino-acid change (proline 2057 retained).
Molecular consequence: synonymous variant.
Genome position (GRCh38, 1-based): chr6:31,637,065, G>A. VCF-style: chr6-31637065-G-A. GRCh37 (hg19) VCF-style: chr6-31604842-G-A.
Other names: c.6171G>A, p.Pro2057= (NM_080686.3).
Identifiers: ClinVar variation 3041516 (VCV003041516.2), dbSNP rs3817659, ClinGen allele CA3716767.